The following is an entry in ClinVar:

ClinVar aggregate classification (germline): Benign/Likely benign. Review status: criteria provided, multiple submitters, no conflicts (2 of 4 stars). 4 submissions from 4 submitters: Benign (2); Likely benign (1). 1 of the submissions does not count toward it. Last evaluated 2026-07-01.

Conditions:
CTU2-related disorder. Also called: CTU2-related condition.

Allele frequency attached by ClinVar (database versions not stated): 1000 Genomes Project 30x 0.00094; 1000 Genomes Project 0.00100; TOPMed 0.00187; gnomAD exomes 0.00210; ESP Exome Variant Server 0.00217; gnomAD 0.00243 and 0.00249; ExAC 0.00272.

Submissions (4):

CeGaT Center for Human Genetics Tuebingen
Classification: Likely benign. Last evaluated: 2026-07-01. Review status: criteria provided, single submitter. Criteria: CeGaT Center For Human Genetics Tuebingen Variant Classification Criteria Version 2. Collection method: clinical testing. Allele origin: germline. Affected: yes. Observed: 3 variant alleles.
Comment: CTU2: BP4, BP7

Labcorp Genetics (formerly Invitae), Labcorp
Classification: Benign. Last evaluated: 2025-03-27. Review status: criteria provided, single submitter. Criteria: Invitae Variant Classification Sherloc (09022015). Collection method: clinical testing. Allele origin: germline.

Breakthrough Genomics
Classification: Benign. Review status: criteria provided, single submitter. Criteria: ACMG Guidelines, 2015. Collection method: not provided. Allele origin: germline. Inheritance: Autosomal recessive inheritance. Affected: yes.

PreventionGenetics, part of Exact Sciences
Classification: Likely benign for CTU2-related condition. Last evaluated: 2019-03-07. Review status: no assertion criteria provided. Collection method: clinical testing. Allele origin: germline. Not counted in ClinVar's aggregate classification.
Comment: This variant is classified as likely benign based on ACMG/AMP sequence variant interpretation guidelines (Richards et al. 2015 PMID: 25741868, with internal and published modifications).

NM_001012759.3(CTU2):c.1425A>G (p.Ser475=)

Gene: CTU2 (cytosolic thiouridylase subunit 2; plus strand). Cytogenetic location: 16q24.3.
Variant type: single nucleotide variant.
Coding change: c.1425A>G on transcript NM_001012759.3 (MANE Select); coding-DNA position 1425, A replaced by G.
Protein change: p.Ser475=; no amino-acid change (serine 475 retained).
Molecular consequence: synonymous variant. On other transcripts: intron variant (1).
Genome position (GRCh38, 1-based): chr16:88,715,053, A>G. VCF-style: chr16-88715053-A-G. GRCh37 (hg19) VCF-style: chr16-88781461-A-G.
Other names: c.1425A>G (NM_001012759.2); c.1638A>G, p.Ser546= (NM_001318507.2); c.1164A>G, p.Ser388= (NM_001318513.2); c.1419+127A>G (NM_001012762.3).
Identifiers: ClinVar variation 1601401 (VCV001601401.21), dbSNP rs78212226, ClinGen allele CA8231160.